The following is an entry in ClinVar:

ClinVar aggregate classification (germline): Conflicting classifications of pathogenicity. Review status: criteria provided, conflicting classifications (1 of 4 stars). 2 submissions from 2 submitters: Uncertain significance (1); Likely benign (1). Last evaluated 2025-08-11.

Conditions:
Cardiovascular phenotype. Identifiers: MedGen CN230736.
Hereditary cancer-predisposing syndrome. Also called: Neoplastic Syndromes, Hereditary; Hereditary Cancer Syndrome; Tumor predisposition; Hereditary neoplastic syndrome. Identifiers: Orphanet 140162, MedGen C0027672, MeSH D009386, MONDO:0015356.
Neurofibromatosis, type 1 (NF1). Also called: NEUROFIBROMATOSIS, TYPE I, SOMATIC; VON RECKLINGHAUSEN DISEASE; Peripheral type neurofibromatosis; Neurofibromatosis, type I. Identifiers: Orphanet 636, MedGen C0027831, MONDO:0018975, OMIM 162200. Disease mechanism: loss of function.

Submissions (2):

Labcorp Genetics (formerly Invitae), Labcorp
Classification: Uncertain significance for Neurofibromatosis, type 1. Last evaluated: 2025-08-11. Review status: criteria provided, single submitter. Criteria: Invitae Variant Classification Sherloc (09022015). Collection method: clinical testing. Allele origin: germline.
Comment: This sequence change affects codon 2465 of the NF1 mRNA. It is a 'silent' change, meaning that it does not change the encoded amino acid sequence of the NF1 protein. It affects a nucleotide within the consensus splice site. This variant is not present in population databases (gnomAD no frequency). This variant has not been reported in the literature in individuals affected with NF1-related conditions. ClinVar contains an entry for this variant (Variation ID: 1468900). Algorithms developed to predict the effect of sequence changes on RNA splicing suggest that this variant is not likely to affect RNA splicing. In summary, the available evidence is currently insufficient to determine the role of this variant in disease. Therefore, it has been classified as a Variant of Uncertain Significance.

Ambry Genetics
Classification: Likely benign for Cardiovascular phenotype; Hereditary cancer-predisposing syndrome. Last evaluated: 2021-09-24. Review status: criteria provided, single submitter. Criteria: Ambry Variant Classification Scheme 2023. Collection method: clinical testing. Allele origin: germline.

NM_001042492.3(NF1):c.7456A>C (p.Arg2486=)

Gene: NF1 (neurofibromin 1; plus strand). Cytogenetic location: 17q11.2.
Variant type: single nucleotide variant.
Coding change: c.7456A>C on transcript NM_001042492.3 (MANE Select); coding-DNA position 7456, A replaced by C.
Protein change: p.Arg2486=; no amino-acid change (arginine 2486 retained).
Molecular consequence: synonymous variant.
Genome position (GRCh38, 1-based): chr17:31,350,317, A>C. VCF-style: chr17-31350317-A-C. GRCh37 (hg19) VCF-style: chr17-29677335-A-C.
Other names: c.7393A>C, p.Arg2465= (NM_000267.4).
Identifiers: ClinVar variation 1468900 (VCV001468900.10), dbSNP rs752162999, ClinGen allele CA499239222.